The following is an entry in ClinVar:

ClinVar aggregate classification (germline): Uncertain significance. Review status: criteria provided, multiple submitters, no conflicts (2 of 4 stars). 3 submissions from 3 submitters: Uncertain significance (3). Last evaluated 2026-07-05.

Conditions:
Intrauterine growth retardation, metaphyseal dysplasia, adrenal hypoplasia congenita, genital anomalies, and immunodeficiency. Also called: IMAGEI SYNDROME. Identifiers: MedGen C5193036, MONDO:0032684, OMIM 618336.
Facial dysmorphism-immunodeficiency-livedo-short stature syndrome. Also called: FILS syndrome; Facial dysmorphism, immunodeficiency, livedo, and short stature. Identifiers: Orphanet 352712, MedGen C3554576, MONDO:0014058, OMIM 615139.
Colorectal cancer, susceptibility to, 12 (CRCS12). Also called: COLORECTAL CANCER, SUSCEPTIBILITY TO, ON CHROMOSOME 12q24. Identifiers: Orphanet 220460, MedGen C3554460, MONDO:0014038, OMIM 615083.
Hereditary cancer-predisposing syndrome. Also called: Tumor predisposition; Hereditary Cancer Syndrome; Hereditary neoplastic syndrome; Neoplastic Syndromes, Hereditary. Identifiers: Orphanet 140162, MedGen C0027672, MeSH D009386, MONDO:0015356.

Submissions (3):

Ambry Genetics
Classification: Uncertain significance for Hereditary cancer-predisposing syndrome. Last evaluated: 2026-07-05. Review status: criteria provided, single submitter. Criteria: Ambry Variant Classification Scheme 2023. Collection method: clinical testing. Allele origin: germline.
Comment: The p.K391E variant (also known as c.1171A>G), located in coding exon 12 of the POLE gene, results from an A to G substitution at nucleotide position 1171. The lysine at codon 391 is replaced by glutamic acid, an amino acid with similar properties. This amino acid position is conserved. In addition, the in silico prediction for this alteration is inconclusive. Based on the available evidence, the clinical significance of this variant remains unclear.

Labcorp Genetics (formerly Invitae), Labcorp
Classification: Uncertain significance. Last evaluated: 2025-02-25. Review status: criteria provided, single submitter. Criteria: Invitae Variant Classification Sherloc (09022015). Collection method: clinical testing. Allele origin: germline.
Comment: This sequence change replaces lysine, which is basic and polar, with glutamic acid, which is acidic and polar, at codon 391 of the POLE protein (p.Lys391Glu). This variant is not present in population databases (gnomAD no frequency). This variant has not been reported in the literature in individuals affected with POLE-related conditions. ClinVar contains an entry for this variant (Variation ID: 2099281). Invitae Evidence Modeling of protein sequence and biophysical properties (such as structural, functional, and spatial information, amino acid conservation, physicochemical variation, residue mobility, and thermodynamic stability) indicates that this missense variant is not expected to disrupt POLE protein function with a negative predictive value of 80%. In summary, the available evidence is currently insufficient to determine the role of this variant in disease. Therefore, it has been classified as a Variant of Uncertain Significance.

Fulgent Genetics
Classification: Uncertain significance for Colorectal cancer, susceptibility to, 12; Facial dysmorphism-immunodeficiency-livedo-short stature syndrome; Intrauterine growth retardation, metaphyseal dysplasia, adrenal hypoplasia congenita, genital anomalies, and immunodeficiency. Last evaluated: 2024-04-11. Review status: criteria provided, single submitter. Criteria: ACMG Guidelines, 2015. Collection method: clinical testing. Allele origin: germline.

NM_006231.4(POLE):c.1171A>G (p.Lys391Glu)

Gene: POLE (DNA polymerase epsilon, catalytic subunit; minus strand). Cytogenetic location: 12q24.33.
Variant type: single nucleotide variant.
Coding change: c.1171A>G on transcript NM_006231.4 (MANE Select); coding-DNA position 1171, A replaced by G.
Protein change: p.Lys391Glu; replaces lysine 391 with glutamic acid.
Molecular consequence: missense variant.
Genome position (GRCh38, 1-based): chr12:132,675,453, T>C on the plus strand (A>G on the coding strand, the complement: POLE is on the minus strand). VCF-style: chr12-132675453-T-C. GRCh37 (hg19) VCF-style: chr12-133252039-T-C.
Other names: c.1171A>G (NM_006231.2); short protein forms K391E.
Identifiers: ClinVar variation 2099281 (VCV002099281.6), dbSNP rs2542158500, ClinGen allele CA387360897.